The following is an entry in ClinVar:

ClinVar aggregate classification (germline): Conflicting classifications of pathogenicity. Review status: criteria provided, conflicting classifications (1 of 4 stars). 2 submissions from 2 submitters: Uncertain significance (1); Likely benign (1). Last evaluated 2025-12-11.

Conditions:
Adams-Oliver syndrome 5 (AOS5). Identifiers: Orphanet 974, MedGen C4014970, MONDO:0014459, OMIM 616028.

Allele frequency attached by ClinVar (database versions not stated): gnomAD exomes 0.00001 and 0.00002; ExAC 0.00002; gnomAD 0.00002 and 0.00003; TOPMed 0.00003; 1000 Genomes Project 30x 0.00016; 1000 Genomes Project 0.00020.
gnomAD v4.1: 20 of 1,611,828 alleles (0.0012%); highest among the groups gnomAD compares: Admixed American, 0.012%; no homozygotes.

Submissions (2):

Labcorp Genetics (formerly Invitae), Labcorp
Classification: Uncertain significance for Adams-Oliver syndrome 5. Last evaluated: 2025-12-11. Review status: criteria provided, single submitter. Criteria: Invitae Variant Classification Sherloc (09022015). Collection method: clinical testing. Allele origin: germline.
Comment: This sequence change falls in intron 12 of the NOTCH1 gene. It does not directly change the encoded amino acid sequence of the NOTCH1 protein. It affects a nucleotide within the consensus splice site. This variant is present in population databases (rs529806324, gnomAD 0.01%). This variant has not been reported in the literature in individuals affected with NOTCH1-related conditions. ClinVar contains an entry for this variant (Variation ID: 544184). Variants that disrupt the consensus splice site are a relatively common cause of aberrant splicing (PMID: 17576681, 9536098). Algorithms developed to predict the effect of sequence changes on RNA splicing suggest that this variant is not likely to affect RNA splicing. In summary, the available evidence is currently insufficient to determine the role of this variant in disease. Therefore, it has been classified as a Variant of Uncertain Significance.

GeneDx
Classification: Likely benign. Last evaluated: 2020-10-15. Review status: criteria provided, single submitter. Criteria: GeneDx Variant Classification Process June 2021. Collection method: clinical testing. Allele origin: germline. Affected: yes.

Literature cited by the submitters: PubMed 17576681 (cited by Labcorp Genetics (formerly Invitae), Labcorp); PubMed 9536098 (cited by Labcorp Genetics (formerly Invitae), Labcorp).

NM_017617.5(NOTCH1):c.2014+6C>T

Gene: NOTCH1 (notch receptor 1; minus strand). Cytogenetic location: 9q34.3.
Variant type: single nucleotide variant.
Coding change: c.2014+6C>T on transcript NM_017617.5 (MANE Select); 6 bases into the intron after coding-DNA position 2014, C replaced by T.
Molecular consequence: intron variant.
Genome position (GRCh38, 1-based): chr9:136,515,284, G>A on the plus strand (C>T on the coding strand, the complement: NOTCH1 is on the minus strand). VCF-style: chr9-136515284-G-A. GRCh37 (hg19) VCF-style: chr9-139409736-G-A.
Other names: c.2014+6C>T (LRG_1122t1).
Identifiers: ClinVar variation 544184 (VCV000544184.11), dbSNP rs529806324, ClinGen allele CA5341539.